The following is an entry in ClinVar:

NM_001099274.3(TINF2):c.707C>T (p.Pro236Leu)

Gene: TINF2 (TERF1 interacting nuclear factor 2; minus strand). Cytogenetic location: 14q12.
Variant type: single nucleotide variant.
Coding change: c.707C>T on transcript NM_001099274.3 (MANE Select); coding-DNA position 707, C replaced by T.
Protein change: p.Pro236Leu; replaces proline 236 with leucine.
Molecular consequence: missense variant.
Genome position (GRCh38, 1-based): chr14:24,240,773, G>A on the plus strand (C>T on the coding strand, the complement: TINF2 is on the minus strand). VCF-style: chr14-24240773-G-A. GRCh37 (hg19) VCF-style: chr14-24709979-G-A.
Other names: c.602C>T, p.Pro201Leu (NM_001363668.2); c.707C>T, p.Pro236Leu (NM_012461.3); short protein forms P201L, P236L.
Identifiers: ClinVar variation 950314 (VCV000950314.9), dbSNP rs2040559007, ClinGen allele CA389227095.

ClinVar aggregate classification (germline): Uncertain significance (1 of 4 stars; one submission).

Conditions:
Dyskeratosis congenita. Identifiers: Orphanet 1775, MedGen C0265965, MONDO:0015780.

Submission:

Labcorp Genetics (formerly Invitae), Labcorp
Classification: Uncertain significance for Dyskeratosis congenita. Last evaluated: 2022-02-05. Review status: criteria provided, single submitter. Criteria: Invitae Variant Classification Sherloc (09022015). Collection method: clinical testing. Allele origin: germline.
Comment: In summary, the available evidence is currently insufficient to determine the role of this variant in disease. Therefore, it has been classified as a Variant of Uncertain Significance. Algorithms developed to predict the effect of missense changes on protein structure and function output the following: SIFT: "Tolerated"; PolyPhen-2: "Benign"; Align-GVGD: "Class C0". The leucine amino acid residue is found in multiple mammalian species, which suggests that this missense change does not adversely affect protein function. ClinVar contains an entry for this variant (Variation ID: 950314). This variant has not been reported in the literature in individuals affected with TINF2-related conditions. This variant is not present in population databases (gnomAD no frequency). This sequence change replaces proline, which is neutral and non-polar, with leucine, which is neutral and non-polar, at codon 236 of the TINF2 protein (p.Pro236Leu).